The following is an entry in ClinVar:

NM_000132.4(F8):c.444C>T (p.Phe148=)

Gene: F8 (coagulation factor VIII; minus strand). Cytogenetic location: Xq28.
Variant type: single nucleotide variant.
Coding change: c.444C>T on transcript NM_000132.4 (MANE Select); coding-DNA position 444, C replaced by T.
Protein change: p.Phe148=; no amino-acid change (phenylalanine 148 retained).
Molecular consequence: synonymous variant.
Genome position (GRCh38, 1-based): chrX:154,993,093, G>A on the plus strand (C>T on the coding strand, the complement: F8 is on the minus strand). VCF-style: chrX-154993093-G-A. GRCh37 (hg19) VCF-style: chrX-154221368-G-A.
Other names: p.Phe148=.
Identifiers: ClinVar variation 4684550 (VCV004684550.1).

ClinVar aggregate classification (germline): Likely benign (1 of 4 stars; one submission).

gnomAD v4.1: 6 of 1,210,230 alleles (0.0005%); highest among the groups gnomAD compares: Admixed American, 0.013%; no homozygotes.

Submission:

Mayo Clinic Laboratories, Mayo Clinic
Classification: Likely benign. Last evaluated: 2024-12-03. Review status: criteria provided, single submitter. Criteria: ACMG Guidelines, 2015. Collection method: clinical testing. Allele origin: germline. Observed: 1 variant allele.
Comment: BP4, BP7